The following is an entry in ClinVar:

NM_000393.5(COL5A2):c.*2131T>A

Gene: COL5A2 (collagen type V alpha 2 chain; minus strand). Cytogenetic location: 2q32.2.
Variant type: single nucleotide variant.
Coding change: c.*2131T>A on transcript NM_000393.5 (MANE Select); 2131 bases downstream of the stop codon, T replaced by A.
Molecular consequence: 3 prime UTR variant.
Genome position (GRCh38, 1-based): chr2:189,031,939, A>T on the plus strand (T>A on the coding strand, the complement: COL5A2 is on the minus strand). VCF-style: chr2-189031939-A-T. GRCh37 (hg19) VCF-style: chr2-189896665-A-T.
Identifiers: ClinVar variation 333093 (VCV000333093.7), dbSNP rs113513554, ClinGen allele CA10613474.

ClinVar aggregate classification (germline): Benign/Likely benign. Review status: criteria provided, multiple submitters, no conflicts (2 of 4 stars). 2 submissions from 2 submitters: Benign (1); Likely benign (1). Last evaluated 2018-01-13.

Conditions:
Ehlers-Danlos syndrome, classic type, 2 (EDSCL2). Also called: Ehlers-Danlos syndrome, type 2; Ehlers-Danlos syndrome type 2 (formerly); Ehlers-Danlos Syndrome, Classic Type, COL5A2-Related. Identifiers: Orphanet 287, Orphanet 90318, MedGen C0268336, MONDO:0019568, OMIM 130010.

Allele frequency attached by ClinVar (database versions not stated): gnomAD 0.02171 and 0.02206; TOPMed 0.02193; 1000 Genomes Project 0.01977; 1000 Genomes Project 30x 0.02077.

Submissions (2):

Illumina Laboratory Services, Illumina
Classification: Benign for Ehlers-Danlos syndrome, classic type, 2. Last evaluated: 2018-01-13. Review status: criteria provided, single submitter. Criteria: ICSL Variant Classification Criteria 13 December 2019. Collection method: clinical testing. Allele origin: germline.
Comment: This variant was observed in the ICSL laboratory as part of a predisposition screen in an ostensibly healthy population. It had not been previously curated by ICSL or reported in the Human Gene Mutation Database (HGMD: prior to June 1st, 2018), and was therefore a candidate for classification through an automated scoring system. Utilizing variant allele frequency, disease prevalence and penetrance estimates, and inheritance mode, an automated score was calculated to assess if this variant is too frequent to cause the disease. Based on the score and internal cut-off values, a variant classified as benign is not then subjected to further curation. The score for this variant resulted in a classification of benign for this disease.

Breakthrough Genomics
Classification: Likely benign. Review status: criteria provided, single submitter. Criteria: ACMG Guidelines, 2015. Collection method: not provided. Allele origin: germline. Inheritance: Autosomal dominant inheritance. Affected: yes.